The following is an entry in ClinVar:

ClinVar aggregate classification (germline): Uncertain significance (1 of 4 stars; one submission).

Conditions:
CCDC50-related disorder. Also called: CCDC50-related condition.

gnomAD v4.1: 17 of 1,612,552 alleles (0.0011%); highest among the groups gnomAD compares: Middle Eastern, 0.016%; no homozygotes.

Submission:

PreventionGenetics, part of Exact Sciences
Classification: Uncertain significance for CCDC50-related condition. Last evaluated: 2025-11-07. Review status: criteria provided, single submitter. Criteria: ACMG Guidelines, 2015. Collection method: clinical testing. Allele origin: germline.
Comment: The CCDC50 c.1024A>G variant is predicted to result in the amino acid substitution p.Met342Val. To our knowledge, this variant has not been reported in the literature. This variant is reported in 0.0023% of alleles in individuals of European (Non-Finnish) descent in gnomAD. At this time, the clinical significance of this variant is uncertain due to the absence of conclusive functional and genetic evidence.

NM_178335.3(CCDC50):c.1024A>G (p.Met342Val)

Gene: CCDC50 (coiled-coil domain containing 50; plus strand). Cytogenetic location: 3q28.
Variant type: single nucleotide variant.
Coding change: c.1024A>G on transcript NM_178335.3 (MANE Select); coding-DNA position 1024, A replaced by G.
Protein change: p.Met342Val; replaces methionine 342 with valine.
Molecular consequence: missense variant.
Genome position (GRCh38, 1-based): chr3:191,380,206, A>G. VCF-style: chr3-191380206-A-G. GRCh37 (hg19) VCF-style: chr3-191097995-A-G.
Other names: c.496A>G, p.Met166Val (NM_174908.4); short protein forms M166V, M342V.
Identifiers: ClinVar variation 4985940 (VCV004985940.1).